The following is an entry in ClinVar:

ClinVar aggregate classification (germline): Uncertain significance (1 of 4 stars; one submission).

Submission:

Genetic Services Laboratory, University of Chicago
Classification: Uncertain significance. Last evaluated: 2021-12-22. Review status: criteria provided, single submitter. Criteria: ACMG Guidelines, 2015. Collection method: clinical testing. Allele origin: germline. Affected: no.
Comment: DNA sequence analysis of the SAMD9 gene demonstrated a sequence change, c.822_823delinsTT, in exon 3 that results in an amino acid change, p.His275Tyr. This sequence change has been described in the gnomAD database in a single individual which corresponds to a population frequency of 0.00040% (dbSNP rs373997294). The p.His275Tyr change affects a poorly conserved amino acid residue located in a domain of the SAMD9 protein that is not known to be functional. The p.His275Tyr substitution appears to be benign using several in-silico pathogenicity prediction tools (SIFT, PolyPhen2, Align GVGD, REVEL). This sequence change does not appear to have been previously described in individuals with SAMD9-related disorders. Due to insufficient evidences and the lack of functional studies, the clinical significance of the p.His275Tyr change remains unknown at this time.

NM_017654.4(SAMD9):c.822_823delinsTT (p.His275Tyr)

Gene: SAMD9 (sterile alpha motif domain containing 9; minus strand). Cytogenetic location: 7q21.2.
Variant type: Indel.
Coding change: c.822_823delinsTT on transcript NM_017654.4 (MANE Select); coding-DNA positions 822 to 823, CC replaced by TT.
Protein change: p.His275Tyr; replaces histidine 275 with tyrosine.
Molecular consequence: missense variant.
Genome position (GRCh38, 1-based): chr7:93,105,275-93,105,276, GG replaced by AA on the plus strand (CC replaced by TT on the coding strand, the reverse complement: SAMD9 is on the minus strand). VCF-style: chr7-93105275-GG-AA. GRCh37 (hg19) VCF-style: chr7-92734588-GG-AA.
Other names: c.822_823delinsTT, p.His275Tyr (NM_001193307.2); short protein forms H275Y.
Identifiers: ClinVar variation 1338684 (VCV001338684.4), dbSNP rs2116421515, ClinGen allele CA2573052936.
Genomic context (GRCh38, chr7:93,105,275, plus strand): 5'-GCAGTAAAACTTCCACAAATCTTGGCTCTCGAATGCACTTCTTTGCTTGTTGGACTTGAT[GG>AA]TCTTCAAAATACTTGTTTATCATCAGATTGAAATGGTTAATGAGGGCTTCCTTGGTATCA-3'
Protein context (NP_060124.2, residues 265-285): NLMINKYFED[His275Tyr]QVQQAKKCIR